The following is an entry in ClinVar:

NM_001257180.2(SLC20A2):c.23G>A (p.Trp8Ter)

Gene: SLC20A2 (solute carrier family 20 member 2; minus strand). Cytogenetic location: 8p11.21.
Variant type: single nucleotide variant.
Coding change: c.23G>A on transcript NM_001257180.2 (MANE Select); coding-DNA position 23, G replaced by A.
Protein change: p.Trp8Ter; replaces tryptophan 8 with a stop codon.
Molecular consequence: nonsense.
Genome position (GRCh38, 1-based): chr8:42,472,368, C>T on the plus strand (G>A on the coding strand, the complement: SLC20A2 is on the minus strand). VCF-style: chr8-42472368-C-T. GRCh37 (hg19) VCF-style: chr8-42329886-C-T.
Other names: c.23G>A, p.Trp8Ter (NM_001257181.2, NM_006749.5); short protein forms W8*.
Identifiers: ClinVar variation 1456623 (VCV001456623.6), dbSNP rs2131228451, ClinGen allele CA371090283.

ClinVar aggregate classification (germline): Pathogenic (1 of 4 stars; one submission).

Submission:

Labcorp Genetics (formerly Invitae), Labcorp
Classification: Pathogenic. Last evaluated: 2021-05-29. Review status: criteria provided, single submitter. Criteria: Invitae Variant Classification Sherloc (09022015). Collection method: clinical testing. Allele origin: germline.
Comment: For these reasons, this variant has been classified as Pathogenic. This variant has not been reported in the literature in individuals with SLC20A2-related conditions. This variant is not present in population databases (ExAC no frequency). This sequence change creates a premature translational stop signal (p.Trp8*) in the SLC20A2 gene. It is expected to result in an absent or disrupted protein product. Loss-of-function variants in SLC20A2 are known to be pathogenic (PMID: 23334463).

Literature cited by the submitters: PubMed 23334463.